The following is an entry in ClinVar:

ClinVar aggregate classification (germline): Uncertain significance (0 of 4 stars; one submission).

Conditions:
POMC-related disorder. Also called: POMC-related condition; POMC-related disorders.

Allele frequency attached by ClinVar (database versions not stated): gnomAD 0.00001; TOPMed 0.00002.
gnomAD v4.1: 7 of 1,590,722 alleles (0.00044%); highest among the groups gnomAD compares: African/African-American, 0.0068%; no homozygotes.

Submission:

PreventionGenetics, part of Exact Sciences
Classification: Uncertain significance for POMC-related condition. Last evaluated: 2024-03-01. Review status: no assertion criteria provided. Collection method: clinical testing. Allele origin: germline.
Comment: The POMC c.136T>C variant is predicted to result in the amino acid substitution p.Cys46Arg. To our knowledge, this variant has not been reported in the literature. This variant is reported in 0.0092% of alleles in individuals of African descent in gnomAD. At this time, the clinical significance of this variant is uncertain due to the absence of conclusive functional and genetic evidence.

NM_000939.4(POMC):c.136T>C (p.Cys46Arg)

Genes: POMC (proopiomelanocortin; minus strand), LOC129933280 (ATAC-STARR-seq lymphoblastoid silent region 11244; plus strand). Cytogenetic location: 2p23.3.
Variant type: single nucleotide variant.
Coding change: c.136T>C on transcript NM_000939.4 (MANE Select); coding-DNA position 136, T replaced by C.
Protein change: p.Cys46Arg; replaces cysteine 46 with arginine.
Molecular consequence: missense variant.
Genome position (GRCh38, 1-based): chr2:25,161,749, A>G on the plus strand (T>C on the coding strand, the complement: POMC is on the minus strand). VCF-style: chr2-25161749-A-G. GRCh37 (hg19) VCF-style: chr2-25384618-A-G.
Other names: c.136T>C, p.Cys46Arg (NM_001035256.3, NM_001319204.2, NM_001319205.2); short protein forms C46R.
Identifiers: ClinVar variation 3029663 (VCV003029663.2), dbSNP rs1309309854, ClinGen allele CA346067695.
Genomic context (GRCh38, chr2:25,161,749, plus strand): 5'-CGCCATTTCCCGGGAACATGGGAGTCTCGGCCGAGAGGTCGGGCTTGCAGGCCCGGATGC[A>G]CTCCTGGGGGAAGACGCGAGGGCATGAGGGCAGCCCGTGCCCCGCACCCCGGCCCGGCTG-3'
Protein context (NP_000930.1, residues 36-56): DLTTESNLLE[Cys46Arg]IRACKPDLSA